The following is an entry in ClinVar:

NM_001220.5(CAMK2B):c.983C>T (p.Thr328Ile)

Gene: CAMK2B (calcium/calmodulin dependent protein kinase II beta; minus strand). Cytogenetic location: 7p13.
Variant type: single nucleotide variant.
Coding change: c.983C>T on transcript NM_001220.5 (MANE Select); coding-DNA position 983, C replaced by T.
Protein change: p.Thr328Ile; replaces threonine 328 with isoleucine.
Molecular consequence: missense variant. On other transcripts: intron variant (5).
Genome position (GRCh38, 1-based): chr7:44,239,627, G>A on the plus strand (C>T on the coding strand, the complement: CAMK2B is on the minus strand). VCF-style: chr7-44239627-G-A. GRCh37 (hg19) VCF-style: chr7-44279226-G-A.
Other names: c.983C>T, p.Thr328Ile (NM_001293170.2, NM_172078.3, NM_172082.3); c.946+1080C>T (NM_172084.3, NM_172080.3, NM_172083.3 and 2 more transcripts); short protein forms T328I.
Identifiers: ClinVar variation 3373193 (VCV003373193.15).

ClinVar aggregate classification (germline): Uncertain significance. Review status: criteria provided, multiple submitters, no conflicts (2 of 4 stars). 2 submissions from 2 submitters: Uncertain significance (2). Last evaluated 2024-09-01.

Submissions (2):

CeGaT Center for Human Genetics Tuebingen
Classification: Uncertain significance. Last evaluated: 2024-09-01. Review status: criteria provided, single submitter. Criteria: CeGaT Center For Human Genetics Tuebingen Variant Classification Criteria Version 2. Collection method: clinical testing. Allele origin: germline. Affected: yes. Observed: 1 variant allele.
Comment: CAMK2B: PM2

GeneDx
Classification: Uncertain significance. Last evaluated: 2024-02-27. Review status: criteria provided, single submitter. Criteria: GeneDx Variant Classification Process June 2021. Collection method: clinical testing. Allele origin: germline. Affected: yes.
Comment: Not observed at significant frequency in large population cohorts (gnomAD); In silico analysis supports that this missense variant does not alter protein structure/function; Has not been previously published as pathogenic or benign to our knowledge